The following is an entry in ClinVar:

ClinVar aggregate classification (germline): Uncertain significance (1 of 4 stars; one submission).

Conditions:
Congenital contractural arachnodactyly (CCA). Also called: Arthrogryposis, distal, type 9; BEALS SYNDROME; Beals-Hecht syndrome. Identifiers: Orphanet 115, MedGen C0220668, MONDO:0007363, OMIM 121050.

gnomAD v4.1: 1 of 1,613,580 alleles (0.000062%); no homozygotes.

Submission:

Labcorp Genetics (formerly Invitae), Labcorp
Classification: Uncertain significance for Congenital contractural arachnodactyly. Last evaluated: 2024-02-19. Review status: criteria provided, single submitter. Criteria: Invitae Variant Classification Sherloc (09022015). Collection method: clinical testing. Allele origin: germline.
Comment: This sequence change replaces serine, which is neutral and polar, with glycine, which is neutral and non-polar, at codon 797 of the FBN2 protein (p.Ser797Gly). This variant is not present in population databases (gnomAD no frequency). This variant has not been reported in the literature in individuals affected with FBN2-related conditions. Advanced modeling of protein sequence and biophysical properties (such as structural, functional, and spatial information, amino acid conservation, physicochemical variation, residue mobility, and thermodynamic stability) performed at Invitae indicates that this missense variant is not expected to disrupt FBN2 protein function with a negative predictive value of 80%. In summary, the available evidence is currently insufficient to determine the role of this variant in disease. Therefore, it has been classified as a Variant of Uncertain Significance.

NM_001999.4(FBN2):c.2389A>G (p.Ser797Gly)

Gene: FBN2 (fibrillin 2; minus strand). Cytogenetic location: 5q23.3.
Variant type: single nucleotide variant.
Coding change: c.2389A>G on transcript NM_001999.4 (MANE Select); coding-DNA position 2389, A replaced by G.
Protein change: p.Ser797Gly; replaces serine 797 with glycine.
Molecular consequence: missense variant.
Genome position (GRCh38, 1-based): chr5:128,364,639, T>C on the plus strand (A>G on the coding strand, the complement: FBN2 is on the minus strand). VCF-style: chr5-128364639-T-C. GRCh37 (hg19) VCF-style: chr5-127700332-T-C.
Other names: short protein forms S797G.
Identifiers: ClinVar variation 3717957 (VCV003717957.2).